The following is an entry in ClinVar:

ClinVar aggregate classification (germline): Conflicting classifications of pathogenicity. Review status: criteria provided, conflicting classifications (1 of 4 stars). 2 submissions from 2 submitters: Uncertain significance (1); Likely benign (1). Last evaluated 2025-12-09.

Conditions:
Hereditary cancer-predisposing syndrome. Also called: Hereditary Cancer Syndrome; Tumor predisposition; Hereditary neoplastic syndrome; Neoplastic Syndromes, Hereditary. Identifiers: Orphanet 140162, MedGen C0027672, MeSH D009386, MONDO:0015356.
EGFR-related lung cancer (EGFR). Identifiers: MedGen CN130014.

Allele frequency attached by ClinVar (database versions not stated): TOPMed below 0.00001; gnomAD 0.00001.

Submissions (2):

Labcorp Genetics (formerly Invitae), Labcorp
Classification: Uncertain significance for EGFR-related lung cancer. Last evaluated: 2025-12-09. Review status: criteria provided, single submitter. Criteria: Invitae Variant Classification Sherloc (09022015). Collection method: clinical testing. Allele origin: germline.
Comment: This sequence change replaces histidine, which is basic and polar, with arginine, which is basic and polar, at codon 383 of the EGFR protein (p.His383Arg). This variant is not present in population databases (gnomAD no frequency). This variant has not been reported in the literature in individuals affected with EGFR-related conditions. ClinVar contains an entry for this variant (Variation ID: 1416358). Invitae Evidence Modeling of protein sequence and biophysical properties (such as structural, functional, and spatial information, amino acid conservation, physicochemical variation, residue mobility, and thermodynamic stability) indicates that this missense variant is not expected to disrupt EGFR protein function with a negative predictive value of 80%. In summary, the available evidence is currently insufficient to determine the role of this variant in disease. Therefore, it has been classified as a Variant of Uncertain Significance.

Ambry Genetics
Classification: Likely benign for Hereditary cancer-predisposing syndrome. Last evaluated: 2024-12-08. Review status: criteria provided, single submitter. Criteria: Ambry Variant Classification Scheme 2023. Collection method: clinical testing. Allele origin: germline.

NM_005228.5(EGFR):c.1148A>G (p.His383Arg)

Genes: EGFR (epidermal growth factor receptor; plus strand), LOC126860048 (P300/CBP strongly-dependent group 1 enhancer GRCh37_chr7:55223847-55225046; plus strand). Cytogenetic location: 7p11.2.
Variant type: single nucleotide variant.
Coding change: c.1148A>G on transcript NM_005228.5 (MANE Select); coding-DNA position 1148, A replaced by G.
Protein change: p.His383Arg; replaces histidine 383 with arginine.
Molecular consequence: missense variant.
Genome position (GRCh38, 1-based): chr7:55,156,773, A>G. VCF-style: chr7-55156773-A-G. GRCh37 (hg19) VCF-style: chr7-55224466-A-G.
Other names: c.1013A>G, p.His338Arg (NM_001346897.2, NM_001346899.2); c.1148A>G, p.His383Arg (NM_001346898.2, NM_201282.2, NM_201283.2 and 1 more transcripts); c.989A>G, p.His330Arg (NM_001346900.2); c.347A>G, p.His116Arg (NM_001346941.2); c.1148A>G (NM_005228.3); short protein forms H116R, H338R, H383R, H330R.
Identifiers: ClinVar variation 1416358 (VCV001416358.9), dbSNP rs1169461493, ClinGen allele CA367578548.